The following is an entry in ClinVar:

NM_139285.4(GAS2L2):c.938G>A (p.Arg313His)

Gene: GAS2L2 (growth arrest specific 2 like 2; minus strand). Cytogenetic location: 17q12.
Variant type: single nucleotide variant.
Coding change: c.938G>A on transcript NM_139285.4 (MANE Select); coding-DNA position 938, G replaced by A.
Protein change: p.Arg313His; replaces arginine 313 with histidine.
Molecular consequence: missense variant.
Genome position (GRCh38, 1-based): chr17:35,747,163, C>T on the plus strand (G>A on the coding strand, the complement: GAS2L2 is on the minus strand). VCF-style: chr17-35747163-C-T. GRCh37 (hg19) VCF-style: chr17-34074182-C-T.
Other names: short protein forms R313H.
Identifiers: ClinVar variation 1699243 (VCV001699243.7), dbSNP rs201782410, ClinGen allele CA8506228.
Genomic context (GRCh38, chr17:35,747,163, plus strand): 5'-AGCCTTCGGTCTGAAGAGGTATATGTCTTCCAGTCCACAGGGGGTGGTGGGCTCTGTGAG[C>T]GGCTGATGGTCATTGTAGGCTGGGTCTGTGAGGGTCCATCCTGTACCCTTACTTCATGCT-3'
Protein context (NP_644814.1, residues 303-323): SQTQPTMTIS[Arg313His]SQSPPPPVDW

ClinVar aggregate classification (germline): Uncertain significance. Review status: criteria provided, multiple submitters, no conflicts (2 of 4 stars). 3 submissions from 3 submitters: Uncertain significance (3). Last evaluated 2024-07-23.

Conditions:
Ciliary dyskinesia, primary, 41. Identifiers: MedGen C5193103, MONDO:0032757, OMIM 618449.

Allele frequency attached by ClinVar (database versions not stated): TOPMed 0.00043; gnomAD exomes 0.00047 and 0.00062; ExAC 0.00050; gnomAD 0.00052 and 0.00053; ESP Exome Variant Server 0.00092.
gnomAD v4.1: 972 of 1,613,828 alleles (0.06%); highest among the groups gnomAD compares: Non-Finnish European, 0.071%; no homozygotes.

Submissions (3):

Blueprint Genetics
Classification: Uncertain significance. Last evaluated: 2024-07-23. Review status: criteria provided, single submitter. Criteria: ACMG Guidelines, 2015. Collection method: clinical testing. Allele origin: germline.

Ambry Genetics
Classification: Uncertain significance. Last evaluated: 2024-03-11. Review status: criteria provided, single submitter. Criteria: Ambry Variant Classification Scheme 2023. Collection method: clinical testing. Allele origin: germline.

Victorian Clinical Genetics Services, Murdoch Childrens Research Institute
Classification: Uncertain significance for Ciliary dyskinesia, primary, 41. Last evaluated: 2020-05-25. Review status: criteria provided, single submitter. Criteria: ACMG Guidelines, 2015. Collection method: clinical testing. Allele origin: germline. Inheritance: Autosomal recessive inheritance.
Comment: Based on the classification scheme VCGS_Germline_v1.1.1, this variant is classified as 3B-VUS. Following criteria are met: 0102 - Loss-of-function is a known mechanism of disease for this gene. (N) 0106 - This gene is known to be associated with autosomal recessive disease. (N) 0200 - Variant is predicted to result in a missense amino acid change from argnine to histidine (exon 5). (N) 0251 - Variant is heterozygous. (N) 0304 - Variant is present in gnomAD <0.01 for a recessive condition (132 heterozygotes, 0 homozygotes) (P) 0309 - An alternative amino acid change at the same position has been observed in gnomAD (p.Arg313Cys; 1 heterozygotes, 0 homozygotes) (N) 0502 - Missense variant with conflicting in-silico predictions and/or uninformative conservation. (N) 0604 - Variant is not located in an established domain, motif, hotspot or informative constraint region. (N) 0705 - No comparable variants have previous evidence for pathogenicity. (N) 0807 - Variant has not previously been reported in a clinical context. (N) 0905 - No segregation evidence has been identified for this variant. (N) 1007 - No published functional evidence has been identified for this variant. (N) 1208 - Inheritance information for this variant is not currently available. (N) Legend: (P) - Pathogenic, (N) - Neutral, (B) - Benign